The following is an entry in ClinVar:

NM_014629.4(ARHGEF10):c.2950T>G (p.Ser984Ala)

Gene: ARHGEF10 (Rho guanine nucleotide exchange factor 10; plus strand). Cytogenetic location: 8p23.3.
Variant type: single nucleotide variant.
Coding change: c.2950T>G on transcript NM_014629.4 (MANE Select); coding-DNA position 2950, T replaced by G.
Protein change: p.Ser984Ala; replaces serine 984 with alanine.
Molecular consequence: missense variant.
Genome position (GRCh38, 1-based): chr8:1,929,314, T>G. VCF-style: chr8-1929314-T-G. GRCh37 (hg19) VCF-style: chr8-1877480-T-G.
Other names: p.Ser984Ala; c.2836T>G, p.Ser946Ala (NM_001308152.2); c.2950T>G, p.Ser984Ala (NM_001308153.3); short protein forms S1008A, S946A, S984A.
Identifiers: ClinVar variation 1229340 (VCV001229340.14), dbSNP rs17683288, ClinGen allele CA4601142.

ClinVar aggregate classification (germline): Benign. Review status: criteria provided, multiple submitters, no conflicts (2 of 4 stars). 5 submissions from 5 submitters: Benign (4). 1 of the submissions does not count toward it. Last evaluated 2026-02-01.

Conditions:
ARHGEF10-related disorder. Also called: ARHGEF10-related condition.

Allele frequency attached by ClinVar (database versions not stated): gnomAD exomes 0.05446; ExAC 0.05461; 1000 Genomes Project 30x 0.03045; 1000 Genomes Project 0.03055; TOPMed 0.04483; gnomAD 0.05032 and 0.05074; ESP Exome Variant Server 0.05205.
gnomAD v4.1: 102,279 of 1,613,890 alleles (6.3%); highest among the groups gnomAD compares: Middle Eastern, 9.5%; 3,648 homozygotes.

Submissions (5):

Labcorp Genetics (formerly Invitae), Labcorp
Classification: Benign. Last evaluated: 2026-02-01. Review status: criteria provided, single submitter. Criteria: Invitae Variant Classification Sherloc (09022015). Collection method: clinical testing. Allele origin: germline.

GeneDx
Classification: Benign. Last evaluated: 2021-05-04. Review status: criteria provided, single submitter. Criteria: GeneDx Variant Classification Process June 2021. Collection method: clinical testing. Allele origin: germline. Affected: yes.

Mayo Clinic Laboratories, Mayo Clinic
Classification: Benign. Last evaluated: 2016-04-12. Review status: criteria provided, single submitter. Criteria: ACMG Guidelines, 2015. Collection method: clinical testing. Allele origin: germline. Observed: 132 variant alleles.

Breakthrough Genomics
Classification: Benign. Review status: criteria provided, single submitter. Criteria: ACMG Guidelines, 2015. Collection method: not provided. Allele origin: germline. Inheritance: Autosomal dominant inheritance. Affected: yes.

PreventionGenetics, part of Exact Sciences
Classification: Benign for ARHGEF10-related condition. Last evaluated: 2024-05-30. Review status: no assertion criteria provided. Collection method: clinical testing. Allele origin: germline. Not counted in ClinVar's aggregate classification.
Comment: This variant is classified as benign based on ACMG/AMP sequence variant interpretation guidelines (Richards et al. 2015 PMID: 25741868, with internal and published modifications).